The following is an entry in ClinVar:

ClinVar aggregate classification (germline): Uncertain significance. Review status: criteria provided, multiple submitters, no conflicts (2 of 4 stars). 2 submissions from 2 submitters: Uncertain significance (2). Last evaluated 2026-01-12.

Conditions:
Dystonic disorder. Also called: Dystonia. Identifiers: MedGen C0013421, MONDO:0003441, HP:0001332.
Hereditary ataxia. Also called: Hereditary Ataxias. Identifiers: Orphanet 183518, MedGen C0004138, MONDO:0100309, MONDO:0000557.

Allele frequency attached by ClinVar (database versions not stated): gnomAD 0.00003; TOPMed 0.00003; gnomAD exomes 0.00005; ExAC 0.00008.
gnomAD v4.1: 88 of 1,613,542 alleles (0.0055%); highest among the groups gnomAD compares: South Asian, 0.035%; no homozygotes.

Submissions (2):

Labcorp Genetics (formerly Invitae), Labcorp
Classification: Uncertain significance for Dystonic disorder. Last evaluated: 2026-01-12. Review status: criteria provided, single submitter. Criteria: Invitae Variant Classification Sherloc (09022015). Collection method: clinical testing. Allele origin: germline.
Comment: This sequence change falls in intron 22 of the ANO3 gene. It does not directly change the encoded amino acid sequence of the ANO3 protein. This variant is present in population databases (rs747630235, gnomAD 0.02%). This variant has not been reported in the literature in individuals affected with ANO3-related conditions. ClinVar contains an entry for this variant (Variation ID: 2193285). Algorithms developed to predict the effect of sequence changes on RNA splicing suggest that this variant may disrupt the consensus splice site. In summary, the available evidence is currently insufficient to determine the role of this variant in disease. Therefore, it has been classified as a Variant of Uncertain Significance.

Cambridge Genomics Laboratory, East Genomic Laboratory Hub, NHS Genomic Medicine Service
Classification: Uncertain significance for Hereditary ataxia. Last evaluated: 2019-12-06. Review status: criteria provided, single submitter. Criteria: ACGS Best Practice Guidelines for Variant Classification in Rare Disease 2020. Collection method: clinical testing. Allele origin: germline. Affected: yes. Observed: 1 variant allele.

NM_031418.4(ANO3):c.2276-6T>C

Gene: ANO3 (anoctamin 3; plus strand). Cytogenetic location: 11p14.2.
Variant type: single nucleotide variant.
Coding change: c.2276-6T>C on transcript NM_031418.4 (MANE Select); 6 bases into the intron before coding-DNA position 2276, T replaced by C.
Molecular consequence: intron variant.
Genome position (GRCh38, 1-based): chr11:26,643,176, T>C. VCF-style: chr11-26643176-T-C. GRCh37 (hg19) VCF-style: chr11-26664723-T-C.
Other names: c.2459-6T>C (NM_001313726.2); c.1838-6T>C (NM_001313727.2).
Identifiers: ClinVar variation 2193285 (VCV002193285.5), dbSNP rs747630235, ClinGen allele CA5926468.